The following is an entry in ClinVar:

ClinVar aggregate classification (germline): Uncertain significance (1 of 4 stars; one submission).

Conditions:
Developmental and epileptic encephalopathy, 53. Also called: Epileptic encephalopathy, early infantile, 53. Identifiers: MedGen C4479313, MONDO:0033362, OMIM 617389.
Early-onset Parkinson disease 20. Also called: PARKINSON DISEASE 20, AUTOSOMAL RECESSIVE EARLY-ONSET. Identifiers: Orphanet 391411, MedGen C3809824, MONDO:0014233, OMIM 615530.

Allele frequency attached by ClinVar (database versions not stated): gnomAD exomes below 0.00001; TOPMed below 0.00001; ExAC 0.00001; gnomAD 0.00001.
gnomAD v4.1: 2 of 1,613,362 alleles (0.00012%); highest among the groups gnomAD compares: Non-Finnish European, 0.00017%; no homozygotes.

Submission:

Labcorp Genetics (formerly Invitae), Labcorp
Classification: Uncertain significance for Developmental and epileptic encephalopathy, 53; Early-onset Parkinson disease 20. Last evaluated: 2022-04-30. Review status: criteria provided, single submitter. Criteria: Invitae Variant Classification Sherloc (09022015). Collection method: clinical testing. Allele origin: germline.
Comment: This sequence change replaces glycine, which is neutral and non-polar, with serine, which is neutral and polar, at codon 627 of the SYNJ1 protein (p.Gly627Ser). This variant is present in population databases (rs756845805, gnomAD 0.0009%). This variant has not been reported in the literature in individuals affected with SYNJ1-related conditions. Algorithms developed to predict the effect of missense changes on protein structure and function (SIFT, PolyPhen-2, Align-GVGD) all suggest that this variant is likely to be disruptive. Algorithms developed to predict the effect of sequence changes on RNA splicing suggest that this variant may disrupt the consensus splice site. In summary, the available evidence is currently insufficient to determine the role of this variant in disease. Therefore, it has been classified as a Variant of Uncertain Significance.

NM_203446.3(SYNJ1):c.1762G>A (p.Gly588Ser)

Gene: SYNJ1 (synaptojanin 1; minus strand). Cytogenetic location: 21q22.11.
Variant type: single nucleotide variant.
Coding change: c.1762G>A on transcript NM_203446.3 (MANE Select); coding-DNA position 1762, G replaced by A.
Protein change: p.Gly588Ser; replaces glycine 588 with serine.
Molecular consequence: missense variant.
Genome position (GRCh38, 1-based): chr21:32,670,337, C>T on the plus strand (G>A on the coding strand, the complement: SYNJ1 is on the minus strand). VCF-style: chr21-32670337-C-T. GRCh37 (hg19) VCF-style: chr21-34042647-C-T.
Other names: c.1762G>A, p.Gly588Ser (NM_001160302.2); c.1747G>A, p.Gly583Ser (NM_001160306.2); c.1879G>A, p.Gly627Ser (NM_003895.4); short protein forms G583S, G588S, G627S.
Identifiers: ClinVar variation 1968799 (VCV001968799.2), dbSNP rs756845805, ClinGen allele CA10003808.